The following is an entry in ClinVar:

NM_003325.4(HIRA):c.1165G>A (p.Ala389Thr)

Gene: HIRA (histone cell cycle regulator; minus strand). Cytogenetic location: 22q11.21.
Variant type: single nucleotide variant.
Coding change: c.1165G>A on transcript NM_003325.4 (MANE Select); coding-DNA position 1165, G replaced by A.
Protein change: p.Ala389Thr; replaces alanine 389 with threonine.
Molecular consequence: missense variant.
Genome position (GRCh38, 1-based): chr22:19,385,685, C>T on the plus strand (G>A on the coding strand, the complement: HIRA is on the minus strand). VCF-style: chr22-19385685-C-T. GRCh37 (hg19) VCF-style: chr22-19373208-C-T.
Other names: short protein forms A389T.
Identifiers: ClinVar variation 715867 (VCV000715867.7), dbSNP rs143858430, ClinGen allele CA10099766.

ClinVar aggregate classification (germline): Benign/Likely benign. Review status: criteria provided, multiple submitters, no conflicts (2 of 4 stars). 3 submissions from 3 submitters: Benign (1); Likely benign (1). 1 of the submissions does not count toward it. Last evaluated 2024-11-21.

Conditions:
HIRA-related disorder.

Allele frequency attached by ClinVar (database versions not stated): TOPMed 0.00123; ESP Exome Variant Server 0.00138; gnomAD exomes 0.00160 and 0.00214; ExAC 0.00176; gnomAD 0.00194.
gnomAD v4.1: 3,331 of 1,614,030 alleles (0.21%); highest among the groups gnomAD compares: Non-Finnish European, 0.24%; 8 homozygotes.

Submissions (3):

Blueprint Genetics
Classification: Likely benign. Last evaluated: 2024-11-21. Review status: criteria provided, single submitter. Criteria: ACMG Guidelines, 2015. Collection method: clinical testing. Allele origin: germline.

Labcorp Genetics (formerly Invitae), Labcorp
Classification: Benign. Last evaluated: 2019-12-31. Review status: criteria provided, single submitter. Criteria: Invitae Variant Classification Sherloc (09022015). Collection method: clinical testing. Allele origin: germline.

PreventionGenetics, part of Exact Sciences
Classification: Likely benign for HIRA-related condition. Last evaluated: 2021-02-15. Review status: no assertion criteria provided. Collection method: clinical testing. Allele origin: germline. Not counted in ClinVar's aggregate classification.
Comment: This variant is classified as likely benign based on ACMG/AMP sequence variant interpretation guidelines (Richards et al. 2015 PMID: 25741868, with internal and published modifications).